The following is an entry in ClinVar:

ClinVar aggregate classification (germline): Uncertain significance (1 of 4 stars; one submission).

Conditions:
Tuberous sclerosis 2 (TSC2). Identifiers: Orphanet 805, MedGen C1860707, MONDO:0013199, OMIM 613254.

Submission:

Labcorp Genetics (formerly Invitae), Labcorp
Classification: Uncertain significance for Tuberous sclerosis 2. Last evaluated: 2022-04-06. Review status: criteria provided, single submitter. Criteria: Invitae Variant Classification Sherloc (09022015). Collection method: clinical testing. Allele origin: germline.
Comment: This sequence change replaces glutamine, which is neutral and polar, with leucine, which is neutral and non-polar, at codon 90 of the TSC2 protein (p.Gln90Leu). This variant is not present in population databases (gnomAD no frequency). This variant has not been reported in the literature in individuals affected with TSC2-related conditions. Advanced modeling of protein sequence and biophysical properties (such as structural, functional, and spatial information, amino acid conservation, physicochemical variation, residue mobility, and thermodynamic stability) performed at Invitae indicates that this missense variant is not expected to disrupt TSC2 protein function. In summary, the available evidence is currently insufficient to determine the role of this variant in disease. Therefore, it has been classified as a Variant of Uncertain Significance.

NM_000548.5(TSC2):c.269A>T (p.Gln90Leu)

Gene: TSC2 (TSC complex subunit 2; plus strand). Cytogenetic location: 16p13.3.
Variant type: single nucleotide variant.
Coding change: c.269A>T on transcript NM_000548.5 (MANE Select); coding-DNA position 269, A replaced by T.
Protein change: p.Gln90Leu; replaces glutamine 90 with leucine.
Molecular consequence: missense variant. On other transcripts: intron variant (2).
Genome position (GRCh38, 1-based): chr16:2,053,385, A>T. VCF-style: chr16-2053385-A-T. GRCh37 (hg19) VCF-style: chr16-2103386-A-T.
Other names: c.269A>T, p.Gln90Leu (NM_001077183.3, NM_001114382.3, NM_001363528.2 and 10 more transcripts); c.122A>T, p.Gln41Leu (NM_001318829.2, NM_001406675.1, NM_001406676.1 and 2 more transcripts); c.302A>T, p.Gln101Leu (NM_001318832.2); c.-548A>T (NM_001406680.1, NM_001406683.1, NM_001406687.1); c.-177A>T (NM_001406681.1); c.-1163A>T (NM_001406689.1, NM_001406690.1, NM_001406691.1 and 2 more transcripts); c.-1469A>T (NM_001406693.1); c.-1044A>T (NM_001406694.1, NM_001406695.1); and 4 more; short protein forms Q101L, Q41L, Q90L.
Identifiers: ClinVar variation 2117572 (VCV002117572.4), dbSNP rs2151027126, ClinGen allele CA394305647.
Genomic context (GRCh38, chr16:2,053,385, plus strand): 5'-CCCTCTGCTGGTGACAGCACGCAGTGGAAGCACTCTGGAAGGCGGTCGCGGATCTGTTGC[A>T]GCCGGAGCGGCCGCTGGAGGCCCGGCACGCGGTGCTGGCTCTGCTGAAGGCCATCGTGCA-3'
Protein context (NP_000539.2, residues 80-100): ALWKAVADLL[Gln90Leu]PERPLEARHA